The following is an entry in ClinVar:

NM_000083.3(CLCN1):c.2681G>A (p.Arg894Gln)

Gene: CLCN1 (chloride voltage-gated channel 1; plus strand). Cytogenetic location: 7q34.
Variant type: single nucleotide variant.
Coding change: c.2681G>A on transcript NM_000083.3 (MANE Select); coding-DNA position 2681, G replaced by A.
Protein change: p.Arg894Gln; replaces arginine 894 with glutamine.
Molecular consequence: missense variant. On other transcripts: non-coding transcript variant (1).
Genome position (GRCh38, 1-based): chr7:143,351,679, G>A. VCF-style: chr7-143351679-G-A. GRCh37 (hg19) VCF-style: chr7-143048772-G-A.
Other names: p.Arg894Gln; short protein forms R894Q.
Identifiers: ClinVar variation 969089 (VCV000969089.12), dbSNP rs145412643, ClinGen allele CA4537767.

ClinVar aggregate classification (germline): Uncertain significance. Review status: criteria provided, multiple submitters, no conflicts (2 of 4 stars). 3 submissions from 3 submitters: Uncertain significance (2). 1 of the submissions does not count toward it. Last evaluated 2025-11-23.

Conditions:
Congenital myotonia, autosomal dominant form (THD). Also called: THOMSEN DISEASE; Myotonia congenita autosomal dominant. Identifiers: Orphanet 614, MedGen C2936781, MONDO:0008055, OMIM 160800.
Congenital myotonia, autosomal recessive form. Also called: BECKER DISEASE; Becker Generalized Myotonia; myotonia congenita, autosomal recessive. Identifiers: Orphanet 614, MedGen C0751360, MONDO:0009715, OMIM 255700.
Tip-toe gait. Also called: Toe walking. Identifiers: MedGen C0427144, HP:0030051.

Allele frequency attached by ClinVar (database versions not stated): ExAC 0.00006; gnomAD exomes 0.00006; TOPMed 0.00006; ESP Exome Variant Server 0.00008; gnomAD 0.00009.
gnomAD v4.1: 138 of 1,614,026 alleles (0.0086%); highest among the groups gnomAD compares: Non-Finnish European, 0.011%; no homozygotes.

Submissions (3):

Labcorp Genetics (formerly Invitae), Labcorp
Classification: Uncertain significance for Congenital myotonia, autosomal recessive form; Congenital myotonia, autosomal dominant form. Last evaluated: 2025-11-23. Review status: criteria provided, single submitter. Criteria: Invitae Variant Classification Sherloc (09022015). Collection method: clinical testing. Allele origin: germline.
Comment: This sequence change replaces arginine, which is basic and polar, with glutamine, which is neutral and polar, at codon 894 of the CLCN1 protein (p.Arg894Gln). This variant is present in population databases (rs145412643, gnomAD 0.01%). This variant has not been reported in the literature in individuals affected with CLCN1-related conditions. ClinVar contains an entry for this variant (Variation ID: 969089). Invitae Evidence Modeling of protein sequence and biophysical properties (such as structural, functional, and spatial information, amino acid conservation, physicochemical variation, residue mobility, and thermodynamic stability) indicates that this missense variant is not expected to disrupt CLCN1 protein function with a negative predictive value of 95%. In summary, the available evidence is currently insufficient to determine the role of this variant in disease. Therefore, it has been classified as a Variant of Uncertain Significance.

Mayo Clinic Laboratories, Mayo Clinic
Classification: Uncertain significance. Last evaluated: 2025-04-29. Review status: criteria provided, single submitter. Criteria: ACMG Guidelines, 2015. Collection method: clinical testing. Allele origin: germline. Observed: 1 variant allele.
Comment: BP4

Practice for Gait Abnormalities, David Pomarino, Competency Network Toe Walking C/o Practice Pomarino
Classification: Uncertain significance for Tip-toe gait. Last evaluated: 2023-06-19. Review status: no assertion criteria provided. Collection method: clinical testing. Allele origin: germline. Affected: yes. Not counted in ClinVar's aggregate classification.
Comment: Myopathy refers to diseases that affect skeletal Muscles. These diseases attack muscle fibers, making muscles weak. Inherited myopathies are often caused by inheriting an abnormal gene mutation from a parent that causes the disease. Symptoms of congenital myopathies usually start at birth or in early childhood, but may not appear until the teen years or even later in adulthood. Congenital myopathies are somewhat unique compared with other inherited myopathies, as weakness typically affects all muscles and is often not progressive. Symptoms are: Muscle weakness, most commonly of upper arms and shoulders and thighs, muscle cramps, stiffness and spasms, fatigue with exertion and lack of energy. Our patients all walk on tiptoe, so they show similar symptoms. When we genetically test them with our toe walking panel, we find that around 90 per cent of them have a genetic variant that explains their toe walking. These can be assigned, for example, to the area of myopathies (such as variants of the COL6A3 gene), the area of hereditary neuropathies (such as variants of the KMT2C gene) or the area of metabolic diseases (such as variants of the PYGM gene). In a smaller group of patients with almost identical symptoms, no abnormality is found in the genes of our panel, but spastic paraplegia can be detected. In another small group of our toe walkers, no abnormalities can be detected in the genes analysed in our toe walking panel, nor do they suffer from spastic paraplegia, as is also the case with healthy children. In contrast to these, however, they show a tiptoe gait. These patients suffer from infantile cerebral palsy, in which toe walking can also be observed.

Literature cited by the submitters: PubMed 37091313 (cited by Practice for Gait Abnormalities, David Pomarino, Competency Network Toe Walking C/o Practice Pomarino).